The following is an entry in ClinVar:

ClinVar aggregate classification (germline): Likely pathogenic (1 of 4 stars; one submission).

Conditions:
Neuromuscular disease caused by qualitative or quantitative defects of dystrophin. Also called: Qualitative or quantitative defects of dystrophin. Identifiers: Orphanet 207085, MedGen C5679787, MONDO:0016147.

Submission:

Women's Health and Genetics/Laboratory Corporation of America, LabCorp
Classification: Likely pathogenic for Neuromuscular disease caused by qualitative or quantitative defects of dystrophin. Last evaluated: 2022-05-06. Review status: criteria provided, single submitter. Criteria: LabCorp Variant Classification Summary - May 2015. Collection method: clinical testing. Allele origin: germline.
Comment: Variant summary: The variant identified by MLPA or other technology involves the deletion of exons 58-60 in the DMD gene. A presumed nomenclature of c.(8547+1_8548-1)_(9084+1_9085-1)del has been designated for the purposes of this classification. Although exact breakpoints of this deletion are not known, it is expected to result in a large in-frame deletion change in the DMD gene, a known mechanism of disease. The variant was absent in 16120 control chromosomes (gnomAD, Structural Variants dataset). To our knowledge, no occurrence of c.(8547+1_8548-1)_(9084+1_9085-1)del in individuals affected with Dystrophinopathies and no experimental evidence demonstrating its impact on protein function have been reported. No clinical diagnostic laboratories have submitted clinical-significance assessments for this variant to ClinVar after 2014. Based on the evidence outlined above, the variant was classified as likely pathogenic.

NC_000023.10:g.(31366752_31462597)_(31497221_31514904)del

Gene: DMD (dystrophin; minus strand). Cytogenetic location: Xp21.2-21.1.
Variant type: Deletion.
Identifiers: ClinVar variation 1696243 (VCV001696243.1).